The following is an entry in ClinVar:

NM_177438.3(DICER1):c.25C>T (p.Leu9Phe)

Gene: DICER1 (dicer 1, ribonuclease III; minus strand). Cytogenetic location: 14q32.13.
Variant type: single nucleotide variant.
Coding change: c.25C>T on transcript NM_177438.3 (MANE Select); coding-DNA position 25, C replaced by T.
Protein change: p.Leu9Phe; replaces leucine 9 with phenylalanine.
Molecular consequence: missense variant.
Genome position (GRCh38, 1-based): chr14:95,133,434, G>A on the plus strand (C>T on the coding strand, the complement: DICER1 is on the minus strand). VCF-style: chr14-95133434-G-A. GRCh37 (hg19) VCF-style: chr14-95599771-G-A.
Other names: c.25C>T, p.Leu9Phe (NM_001195573.1, NM_001271282.3, NM_001291628.2 and 1 more transcripts); short protein forms L9F.
Identifiers: ClinVar variation 543619 (VCV000543619.15), dbSNP rs1482976224, ClinGen allele CA390890774.
Genomic context (GRCh38, chr14:95,133,434, plus strand): 5'-CAAAGAAAGGACCCATTGGTGAGGAAGCAGGGGTCATGAGCTGCAGGCCTGCCATGCTGA[G>A]GGGTTGCAAAGCAGGGCTTTTCATTCATCCAGTGTTTCTTTCATTGCATTTTTGTTCTAG-3'
Protein context (NP_803187.1, residues 1-19): MKSPALQP[Leu9Phe]SMAGLQLMTP

ClinVar aggregate classification (germline): Uncertain significance. Review status: criteria provided, multiple submitters, no conflicts (2 of 4 stars). 2 submissions from 2 submitters: Uncertain significance (2). Last evaluated 2024-07-09.

Conditions:
DICER1-related tumor predisposition. Also called: DICER1-related pleuropulmonary blastoma cancer predisposition syndrome; DICER1 syndrome. Identifiers: Orphanet 284343, MedGen C3839822, MONDO:0100216.
Hereditary cancer-predisposing syndrome. Also called: Neoplastic Syndromes, Hereditary; Tumor predisposition; Hereditary Cancer Syndrome; Hereditary neoplastic syndrome. Identifiers: Orphanet 140162, MedGen C0027672, MeSH D009386, MONDO:0015356.

Allele frequency attached by ClinVar (database versions not stated): gnomAD exomes below 0.00001; TOPMed 0.00001.
gnomAD v4.1: 5 of 1,613,848 alleles (0.00031%); highest among the groups gnomAD compares: African/African-American, 0.0013%; no homozygotes.

Submissions (2):

Ambry Genetics
Classification: Uncertain significance for Hereditary cancer-predisposing syndrome. Last evaluated: 2024-07-09. Review status: criteria provided, single submitter. Criteria: Ambry Variant Classification Scheme 2023. Collection method: clinical testing. Allele origin: germline.
Comment: The p.L9F variant (also known as c.25C>T), located in coding exon 1 of the DICER1 gene, results from a C to T substitution at nucleotide position 25. The leucine at codon 9 is replaced by phenylalanine, an amino acid with highly similar properties. This amino acid position is highly conserved in available vertebrate species. In addition, this alteration is predicted to be tolerated by in silico analysis. Since supporting evidence is limited at this time, the clinical significance of this alteration remains unclear.

Labcorp Genetics (formerly Invitae), Labcorp
Classification: Uncertain significance for DICER1-related tumor predisposition. Last evaluated: 2024-07-01. Review status: criteria provided, single submitter. Criteria: Invitae Variant Classification Sherloc (09022015). Collection method: clinical testing. Allele origin: germline.
Comment: This sequence change replaces leucine, which is neutral and non-polar, with phenylalanine, which is neutral and non-polar, at codon 9 of the DICER1 protein (p.Leu9Phe). This variant is not present in population databases (gnomAD no frequency). This variant has not been reported in the literature in individuals affected with DICER1-related conditions. ClinVar contains an entry for this variant (Variation ID: 543619). An algorithm developed to predict the effect of missense changes on protein structure and function (PolyPhen-2) suggests that this variant is likely to be disruptive. In summary, the available evidence is currently insufficient to determine the role of this variant in disease. Therefore, it has been classified as a Variant of Uncertain Significance.